The following is an entry in ClinVar:

NM_024757.5(EHMT1):c.30G>A (p.Pro10=)

Gene: EHMT1 (euchromatic histone lysine methyltransferase 1; plus strand). Cytogenetic location: 9q34.3.
Variant type: single nucleotide variant.
Coding change: c.30G>A on transcript NM_024757.5 (MANE Select); coding-DNA position 30, G replaced by A.
Protein change: p.Pro10=; no amino-acid change (proline 10 retained).
Molecular consequence: synonymous variant. On other transcripts: intron variant (2).
Genome position (GRCh38, 1-based): chr9:137,710,975, G>A. VCF-style: chr9-137710975-G-A. GRCh37 (hg19) VCF-style: chr9-140605427-G-A.
Other names: c.30G>A, p.Pro10= (NM_001145527.2, NM_001354263.2, NM_001354611.2); c.-8-5651G>A (NM_001354259.2, NM_001354612.2).
Identifiers: ClinVar variation 764164 (VCV000764164.16), dbSNP rs369073742, ClinGen allele CA5374113.

ClinVar aggregate classification (germline): Likely benign. Review status: criteria provided, multiple submitters, no conflicts (2 of 4 stars). 3 submissions from 3 submitters: Likely benign (3). Last evaluated 2026-05-01.

Conditions:
Kleefstra syndrome 1 (KLEFS1). Identifiers: Orphanet 261494, MedGen C0795833, MONDO:0027407, OMIM 610253.

Allele frequency attached by ClinVar (database versions not stated): gnomAD exomes 0.00001; gnomAD 0.00003 and 0.00004; TOPMed 0.00003; ExAC 0.00009; ESP Exome Variant Server 0.00010.
gnomAD v4.1: 26 of 1,597,204 alleles (0.0016%); highest among the groups gnomAD compares: Middle Eastern, 0.033%; no homozygotes.

Submissions (3):

CeGaT Center for Human Genetics Tuebingen
Classification: Likely benign. Last evaluated: 2026-05-01. Review status: criteria provided, single submitter. Criteria: CeGaT Center For Human Genetics Tuebingen Variant Classification Criteria Version 2. Collection method: clinical testing. Allele origin: germline. Affected: yes. Observed: 1 variant allele.
Comment: EHMT1: BP4, BP7

Labcorp Genetics (formerly Invitae), Labcorp
Classification: Likely benign for Kleefstra syndrome 1. Last evaluated: 2025-07-15. Review status: criteria provided, single submitter. Criteria: Invitae Variant Classification Sherloc (09022015). Collection method: clinical testing. Allele origin: germline.

GeneDx
Classification: Likely benign. Last evaluated: 2020-09-29. Review status: criteria provided, single submitter. Criteria: GeneDx Variant Classification Process June 2021. Collection method: clinical testing. Allele origin: germline. Affected: yes.